The following is an entry in ClinVar:

ClinVar aggregate classification (germline): Conflicting classifications of pathogenicity. Review status: criteria provided, conflicting classifications (1 of 4 stars). 2 submissions from 2 submitters: Likely pathogenic (1); Uncertain significance (1). Last evaluated 2026-03-30.

Conditions:
Intellectual developmental disorder, autosomal dominant 75. Identifiers: MedGen C5975482, MONDO:0975838, OMIM 620988.

Submissions (2):

GeneDx
Classification: Likely pathogenic. Last evaluated: 2026-03-30. Review status: criteria provided, single submitter. Criteria: GeneDx Variant Classification Process June 2021. Collection method: clinical testing. Allele origin: germline.
Comment: Nonsense variant predicted to result in protein truncation, as the last 48 amino acids are lost, and other loss-of-function variants have been reported downstream; Not observed at significant frequency in large population cohorts (gnomAD); Has not been previously published as pathogenic or benign to our knowledge

Juno Genomics, Hangzhou Juno Genomics, Inc
Classification: Uncertain significance for Intellectual developmental disorder, autosomal dominant 75. Review status: criteria provided, single submitter. Criteria: ACMG Guidelines, 2015. Collection method: clinical testing. Allele origin: germline.
Comment: Absent from controls (or at extremely low frequency if recessive) in Genome Aggregation Database.

NM_001357.5(DHX9):c.3667C>T (p.Arg1223Ter)

Gene: DHX9 (DExH-box helicase 9; plus strand). Cytogenetic location: 1q25.3.
Variant type: single nucleotide variant.
Coding change: c.3667C>T on transcript NM_001357.5 (MANE Select); coding-DNA position 3667, C replaced by T.
Protein change: p.Arg1223Ter; replaces arginine 1223 with a stop codon.
Molecular consequence: nonsense. On other transcripts: non-coding transcript variant (1).
Genome position (GRCh38, 1-based): chr1:182,887,288, C>T. VCF-style: chr1-182887288-C-T. GRCh37 (hg19) VCF-style: chr1-182856423-C-T.
Other names: short protein forms R1223*.
Identifiers: ClinVar variation 5017936 (VCV005017936.2).